The following is an entry in ClinVar:

GRCh38/hg38 15q11.2-13.1(chr15:23337069-28272443)x1

Genes: ATP10A (ATPase phospholipid transporting 10A (putative); minus strand), ATP10A-DT (ATP10A divergent transcript; plus strand), GABRA5 (gamma-aminobutyric acid type A receptor subunit alpha5; plus strand), GABRB3 (gamma-aminobutyric acid type A receptor subunit beta3; minus strand), GABRG3 (gamma-aminobutyric acid type A receptor subunit gamma3; plus strand) and 139 more. Cytogenetic location: 15q11.2-13.1.
Variant type: copy number loss.
Change: copy number 1 (one copy instead of two) of chr15:23,337,069-28,272,443 (4.94 Mb, GRCh38 coordinates, 1-based), cytogenetic band 15q11.2-13.1.
Identifiers: ClinVar variation 58599 (VCV000058599.2).

ClinVar aggregate classification (germline): Pathogenic (1 of 4 stars; one submission).

Submission:

ISCA Site 6
Classification: Pathogenic. Last evaluated: 2011-08-12. Review status: criteria provided, single submitter. Criteria: Kaminsky et al. (Genet Med. 2011). Collection method: clinical testing. Allele origin: unknown. Affected: yes. Observed: 1 variant allele.
Comment: Copy number variation identified through the course of routine clinical cytogenomic testing in postnatal populations. Clinical assertions have been curated as described in Kaminsky et al. 2011.